The following is an entry in ClinVar:

ClinVar aggregate classification (germline): Uncertain significance (1 of 4 stars; one submission).

Conditions:
Hereditary cancer-predisposing syndrome. Also called: Tumor predisposition; Neoplastic Syndromes, Hereditary; Hereditary Cancer Syndrome; Hereditary neoplastic syndrome. Identifiers: Orphanet 140162, MedGen C0027672, MeSH D009386, MONDO:0015356.

Submission:

Ambry Genetics
Classification: Uncertain significance for Hereditary cancer-predisposing syndrome. Last evaluated: 2024-11-07. Review status: criteria provided, single submitter. Criteria: Ambry Variant Classification Scheme 2023. Collection method: clinical testing. Allele origin: germline.
Comment: The p.K82E variant (also known as c.244A>G), located in coding exon 2 of the BRCA2 gene, results from an A to G substitution at nucleotide position 244. The lysine at codon 82 is replaced by glutamic acid, an amino acid with similar properties. This amino acid position is well conserved in available vertebrate species. In addition, this alteration is predicted to be tolerated by in silico analysis. Based on the available evidence, the clinical significance of this variant remains unclear.

NM_000059.4(BRCA2):c.244A>G (p.Lys82Glu)

Gene: BRCA2 (BRCA2 DNA repair associated; plus strand). Cytogenetic location: 13q13.1.
Variant type: single nucleotide variant.
Coding change: c.244A>G on transcript NM_000059.4 (MANE Select); coding-DNA position 244, A replaced by G.
Protein change: p.Lys82Glu; replaces lysine 82 with glutamic acid.
Molecular consequence: missense variant. On other transcripts: 5 prime UTR variant (1), non-coding transcript variant (1).
Genome position (GRCh38, 1-based): chr13:32,319,253, A>G. VCF-style: chr13-32319253-A-G. GRCh37 (hg19) VCF-style: chr13-32893390-A-G.
Other names: c.244A>G, p.Lys82Glu (NM_001406719.1, NM_001406720.1, NM_001406721.1 and 1 more transcripts); c.-126A>G (NM_001406722.1); short protein forms K82E.
Identifiers: ClinVar variation 3482155 (VCV003482155.1).